The following is an entry in ClinVar:

ClinVar aggregate classification (germline): Uncertain significance (1 of 4 stars; one submission).

Submission:

Labcorp Genetics (formerly Invitae), Labcorp
Classification: Uncertain significance. Last evaluated: 2022-06-26. Review status: criteria provided, single submitter. Criteria: Invitae Variant Classification Sherloc (09022015). Collection method: clinical testing. Allele origin: germline.
Comment: This sequence change replaces isoleucine, which is neutral and non-polar, with valine, which is neutral and non-polar, at codon 1067 of the CPLANE1 protein (p.Ile1067Val). This variant is not present in population databases (gnomAD no frequency). This variant has not been reported in the literature in individuals affected with CPLANE1-related conditions. Advanced modeling of protein sequence and biophysical properties (such as structural, functional, and spatial information, amino acid conservation, physicochemical variation, residue mobility, and thermodynamic stability) performed at Invitae indicates that this missense variant is not expected to disrupt CPLANE1 protein function. In summary, the available evidence is currently insufficient to determine the role of this variant in disease. Therefore, it has been classified as a Variant of Uncertain Significance.

NM_001384732.1(CPLANE1):c.3199A>G (p.Ile1067Val)

Gene: CPLANE1 (ciliogenesis and planar polarity effector complex subunit 1; minus strand). Cytogenetic location: 5p13.2.
Variant type: single nucleotide variant.
Coding change: c.3199A>G on transcript NM_001384732.1 (MANE Select); coding-DNA position 3199, A replaced by G.
Protein change: p.Ile1067Val; replaces isoleucine 1067 with valine.
Molecular consequence: missense variant.
Genome position (GRCh38, 1-based): chr5:37,205,405, T>C on the plus strand (A>G on the coding strand, the complement: CPLANE1 is on the minus strand). VCF-style: chr5-37205405-T-C. GRCh37 (hg19) VCF-style: chr5-37205507-T-C.
Other names: c.3199A>G, p.Ile1067Val (NM_023073.4); short protein forms I1067V.
Identifiers: ClinVar variation 2170896 (VCV002170896.1), dbSNP rs1190026032, ClinGen allele CA359515160.